The following is an entry in ClinVar:

ClinVar aggregate classification (germline): Benign/Likely benign. Review status: criteria provided, multiple submitters, no conflicts (2 of 4 stars). 3 submissions from 3 submitters: Benign (1); Likely benign (2). Last evaluated 2024-06-07.

Conditions:
Familial cancer of breast. Also called: Hereditary breast cancer; BREAST CANCER, FAMILIAL; hereditary breast carcinoma. Identifiers: Orphanet 227535, MedGen C0346153, MONDO:0016419, OMIM 114480. Disease mechanism: loss of function.
Hereditary cancer-predisposing syndrome. Also called: Tumor predisposition; Hereditary neoplastic syndrome; Neoplastic Syndromes, Hereditary; Hereditary Cancer Syndrome. Identifiers: Orphanet 140162, MedGen C0027672, MeSH D009386, MONDO:0015356.
Ataxia-telangiectasia syndrome (AT). Also called: Ataxia-telangiectasia, complementation group D; AT, COMPLEMENTATION GROUP C; ATAXIA-TELANGIECTASIA, COMPLEMENTATION GROUP A; ATAXIA-TELANGIECTASIA, FRESNO VARIANT; Ataxia-telangiectasia; LOUIS-BAR SYNDROME. Identifiers: Orphanet 100, MedGen C0004135, MONDO:0008840, OMIM 208900.

Submissions (3):

Myriad Genetics, Inc.
Classification: Benign for Familial cancer of breast. Last evaluated: 2024-06-07. Review status: criteria provided, single submitter. Criteria: Myriad Autosomal Dominant, Autosomal Recessive and X-Linked Classification Criteria (2023). Collection method: clinical testing. Allele origin: unknown.
Comment: This variant is considered benign. This variant is a silent/synonymous amino acid change and it is not expected to impact splicing.

Ambry Genetics
Classification: Likely benign for Hereditary cancer-predisposing syndrome. Last evaluated: 2020-10-22. Review status: criteria provided, single submitter. Criteria: Ambry Variant Classification Scheme 2023. Collection method: clinical testing. Allele origin: germline.

Labcorp Genetics (formerly Invitae), Labcorp
Classification: Likely benign for Ataxia-telangiectasia syndrome. Last evaluated: 2018-07-25. Review status: criteria provided, single submitter. Criteria: Invitae Variant Classification Sherloc (09022015). Collection method: clinical testing. Allele origin: germline.

NM_000051.4(ATM):c.6586A>C (p.Arg2196=)

Genes: ATM (ATM serine/threonine kinase; plus strand), C11orf65 (chromosome 11 open reading frame 65; minus strand). Cytogenetic location: 11q22.3.
Variant type: single nucleotide variant.
Coding change: c.6586A>C on transcript NM_000051.4 (MANE Select); coding-DNA position 6586, A replaced by C.
Protein change: p.Arg2196=; no amino-acid change (arginine 2196 retained).
Molecular consequence: synonymous variant. On other transcripts: intron variant (2).
Genome position (GRCh38, 1-based): chr11:108,325,323, A>C. VCF-style: chr11-108325323-A-C. GRCh37 (hg19) VCF-style: chr11-108196050-A-C.
Other names: c.6586A>C, p.Arg2196= (NM_001351834.2); c.641-16252T>G (NM_001330368.2); c.*38+9897T>G (NM_001351110.2).
Identifiers: ClinVar variation 763701 (VCV000763701.12), dbSNP rs1555119011, ClinGen allele CA476745006.
Genomic context (GRCh38, chr11:108,325,323, plus strand): 5'-TTTTTTCATTTCTCTTGCTTACATGAACTCTATGTCGTGGCATTCAGATCAGTCACACAT[A>C]GACAACTCTCTGAAGTATATATTAAGTGGCAGAAACACTCCCAGCTTCTCAAGGACAGTG-3'
Protein context (NP_000042.3, residues 2186-2206): GELFSRSVTH[Arg2196=]QLSEVYIKWQ